The following is an entry in ClinVar:

ClinVar aggregate classification (germline): Uncertain significance. Review status: criteria provided, multiple submitters, no conflicts (2 of 4 stars). 2 submissions from 2 submitters: Uncertain significance (2). Last evaluated 2022-06-23.

Conditions:
Glycogen storage disease, type V (GSD5). Also called: PYGM DEFICIENCY; McArdle type glycogen storage disease; MCARDLE DISEASE; MUSCLE GLYCOGEN PHOSPHORYLASE DEFICIENCY; MYOPHOSPHORYLASE DEFICIENCY. Identifiers: Orphanet 368, MedGen C0017924, MONDO:0009293, OMIM 232600.

Allele frequency attached by ClinVar (database versions not stated): ExAC 0.00002; gnomAD exomes 0.00002; TOPMed 0.00006; gnomAD 0.00007; ESP Exome Variant Server 0.00008; 1000 Genomes Project 30x 0.00016; 1000 Genomes Project 0.00020.
gnomAD v4.1: 42 of 1,614,162 alleles (0.0026%); highest among the groups gnomAD compares: South Asian, 0.0044%; 1 homozygote.

Submissions (2):

Labcorp Genetics (formerly Invitae), Labcorp
Classification: Uncertain significance for Glycogen storage disease, type V. Last evaluated: 2022-06-23. Review status: criteria provided, single submitter. Criteria: Invitae Variant Classification Sherloc (09022015). Collection method: clinical testing. Allele origin: germline.
Comment: This sequence change replaces arginine, which is basic and polar, with tryptophan, which is neutral and slightly polar, at codon 823 of the PYGM protein (p.Arg823Trp). This variant is present in population databases (rs200464333, gnomAD 0.006%). This variant has not been reported in the literature in individuals affected with PYGM-related conditions. Algorithms developed to predict the effect of missense changes on protein structure and function are either unavailable or do not agree on the potential impact of this missense change (SIFT: "Not Available"; PolyPhen-2: "Possibly Damaging"; Align-GVGD: "Not Available"). In summary, the available evidence is currently insufficient to determine the role of this variant in disease. Therefore, it has been classified as a Variant of Uncertain Significance.

Revvity Omics, Revvity
Classification: Uncertain significance for Glycogen storage disease, type V. Last evaluated: 2019-07-10. Review status: criteria provided, single submitter. Criteria: ACMG Guidelines, 2015. Collection method: clinical testing. Allele origin: germline.

NM_005609.4(PYGM):c.2467C>T (p.Arg823Trp)

Gene: PYGM (glycogen phosphorylase, muscle associated; minus strand). Cytogenetic location: 11q13.1.
Variant type: single nucleotide variant.
Coding change: c.2467C>T on transcript NM_005609.4 (MANE Select); coding-DNA position 2467, C replaced by T.
Protein change: p.Arg823Trp; replaces arginine 823 with tryptophan.
Molecular consequence: missense variant.
Genome position (GRCh38, 1-based): chr11:64,746,721, G>A on the plus strand (C>T on the coding strand, the complement: PYGM is on the minus strand). VCF-style: chr11-64746721-G-A. GRCh37 (hg19) VCF-style: chr11-64514193-G-A.
Other names: c.2203C>T, p.Arg735Trp (NM_001164716.1); c.2467C>T (NM_005609.2); short protein forms R735W, R823W.
Identifiers: ClinVar variation 2064648 (VCV002064648.4), dbSNP rs200464333, ClinGen allele CA6079504.